The following is an entry in ClinVar:

ClinVar aggregate classification (germline): Uncertain significance. Review status: criteria provided, multiple submitters, no conflicts (2 of 4 stars). 2 submissions from 2 submitters: Uncertain significance (2). Last evaluated 2025-09-27.

Conditions:
Hereditary cancer-predisposing syndrome. Also called: Tumor predisposition; Neoplastic Syndromes, Hereditary; Hereditary Cancer Syndrome; Hereditary neoplastic syndrome. Identifiers: Orphanet 140162, MedGen C0027672, MeSH D009386, MONDO:0015356.

gnomAD v4.1: 1 of 1,547,074 alleles (0.000065%); highest among the groups gnomAD compares: Non-Finnish European, 0.000087%; no homozygotes.

Submissions (2):

Ambry Genetics
Classification: Uncertain significance for Hereditary cancer-predisposing syndrome. Last evaluated: 2025-09-27. Review status: criteria provided, single submitter. Criteria: Ambry Variant Classification Scheme 2023. Collection method: clinical testing. Allele origin: germline.
Comment: The p.V15L variant (also known as c.43G>C), located in coding exon 1 of the FH gene, results from a G to C substitution at nucleotide position 43. The valine at codon 15 is replaced by leucine, an amino acid with highly similar properties. This amino acid position is poorly conserved in available vertebrate species. In addition, this alteration is predicted to be tolerated by in silico analysis. Since supporting evidence is limited at this time, the clinical significance of this alteration remains unclear.

Labcorp Genetics (formerly Invitae), Labcorp
Classification: Uncertain significance. Last evaluated: 2025-04-28. Review status: criteria provided, single submitter. Criteria: Invitae Variant Classification Sherloc (09022015). Collection method: clinical testing. Allele origin: germline.
Comment: This sequence change replaces valine, which is neutral and non-polar, with leucine, which is neutral and non-polar, at codon 15 of the FH protein (p.Val15Leu). This variant is not present in population databases (gnomAD no frequency). This variant has not been reported in the literature in individuals affected with FH-related conditions. ClinVar contains an entry for this variant (Variation ID: 2084973). Invitae Evidence Modeling of protein sequence and biophysical properties (such as structural, functional, and spatial information, amino acid conservation, physicochemical variation, residue mobility, and thermodynamic stability) indicates that this missense variant is not expected to disrupt FH protein function with a negative predictive value of 95%. In summary, the available evidence is currently insufficient to determine the role of this variant in disease. Therefore, it has been classified as a Variant of Uncertain Significance.

NM_000143.4(FH):c.43G>C (p.Val15Leu)

Gene: FH (fumarate hydratase; minus strand). Cytogenetic location: 1q43.
Variant type: single nucleotide variant.
Coding change: c.43G>C on transcript NM_000143.4 (MANE Select); coding-DNA position 43, G replaced by C.
Protein change: p.Val15Leu; replaces valine 15 with leucine.
Molecular consequence: missense variant.
Genome position (GRCh38, 1-based): chr1:241,519,680, C>G on the plus strand (G>C on the coding strand, the complement: FH is on the minus strand). VCF-style: chr1-241519680-C-G. GRCh37 (hg19) VCF-style: chr1-241682980-C-G.
Other names: short protein forms V15L.
Identifiers: ClinVar variation 2084973 (VCV002084973.7), dbSNP rs1463008959, ClinGen allele CA345442970.